The following is an entry in ClinVar:

NM_001792.5(CDH2):c.143A>G (p.Asp48Gly)

Gene: CDH2 (cadherin 2; minus strand). Cytogenetic location: 18q12.1.
Variant type: single nucleotide variant.
Coding change: c.143A>G on transcript NM_001792.5 (MANE Select); coding-DNA position 143, A replaced by G.
Protein change: p.Asp48Gly; replaces aspartic acid 48 with glycine.
Molecular consequence: missense variant.
Genome position (GRCh38, 1-based): chr18:28,147,702, T>C on the plus strand (A>G on the coding strand, the complement: CDH2 is on the minus strand). VCF-style: chr18-28147702-T-C. GRCh37 (hg19) VCF-style: chr18-25727666-T-C.
Other names: short protein forms D48G.
Identifiers: ClinVar variation 4763336 (VCV004763336.1).
Genomic context (GRCh38, chr18:28,147,702, plus strand): 5'-GCATGTACAAATATATCTTTTGAGATAGTACCATTGAGAAGAGGCTGTCCTTCATGCACA[T>C]CCTTCGATAAGACTGCACTGTAAACATCTTCAGGAAATCCAGTCTTGCATAATGCGATTT-3'
Protein context (NP_001783.2, residues 38-58): EDVYSAVLSK[Asp48Gly]VHEGQPLLNV

ClinVar aggregate classification (germline): Uncertain significance (1 of 4 stars; one submission).

gnomAD v4.1: 1 of 1,609,652 alleles (0.000062%); highest among the groups gnomAD compares: Non-Finnish European, 0.000085%; no homozygotes.

Submission:

Labcorp Genetics (formerly Invitae), Labcorp
Classification: Uncertain significance. Last evaluated: 2025-09-16. Review status: criteria provided, single submitter. Criteria: Invitae Variant Classification Sherloc (09022015). Collection method: clinical testing. Allele origin: germline.
Comment: This sequence change replaces aspartic acid, which is acidic and polar, with glycine, which is neutral and non-polar, at codon 48 of the CDH2 protein (p.Asp48Gly). This variant is not present in population databases (gnomAD no frequency). This variant has not been reported in the literature in individuals affected with CDH2-related conditions. An algorithm developed to predict the effect of missense changes on protein structure and function (PolyPhen-2) suggests that this variant is likely to be tolerated. In summary, the available evidence is currently insufficient to determine the role of this variant in disease. Therefore, it has been classified as a Variant of Uncertain Significance.